The following is an entry in ClinVar:

NM_020779.4(WDR35):c.994C>T (p.Arg332Ter)

Gene: WDR35 (WD repeat domain 35; minus strand). Cytogenetic location: 2p24.1.
Variant type: single nucleotide variant.
Coding change: c.994C>T on transcript NM_020779.4 (MANE Select); coding-DNA position 994, C replaced by T.
Protein change: p.Arg332Ter; replaces arginine 332 with a stop codon.
Molecular consequence: nonsense.
Genome position (GRCh38, 1-based): chr2:19,969,494, G>A on the plus strand (C>T on the coding strand, the complement: WDR35 is on the minus strand). VCF-style: chr2-19969494-G-A. GRCh37 (hg19) VCF-style: chr2-20169255-G-A.
Other names: c.994C>T, p.Arg332Ter (NM_001006657.2); short protein forms R332*.
Identifiers: ClinVar variation 579675 (VCV000579675.11), dbSNP rs199840434, ClinGen allele CA43422647.

ClinVar aggregate classification (germline): Pathogenic. Review status: criteria provided, multiple submitters, no conflicts (2 of 4 stars). 5 submissions from 5 submitters: Pathogenic (4). 1 of the submissions does not count toward it. Last evaluated 2025-08-28.

Conditions:
WDR35-related disorder. Also called: WDR35-related disorders; WDR35-related condition. Identifiers: MedGen CN239419.
Autosomal recessive WDR35-related disorders.
Cranioectodermal dysplasia 2 (CED2). Identifiers: Orphanet 1515, MedGen C3150874, MONDO:0013323, OMIM 613610.
Short-rib thoracic dysplasia 7 with or without polydactyly (SRTD7). Also called: Short rib polydactyly syndrome 5; SHORT-RIB THORACIC DYSPLASIA 7 WITH POLYDACTYLY. Identifiers: Orphanet 498497, Orphanet 93271, MedGen C3279792, MONDO:0013569, OMIM 614091.

Allele frequency attached by ClinVar (database versions not stated): gnomAD exomes 0.00002 and 0.00004; gnomAD 0.00005; TOPMed 0.00006.
gnomAD v4.1: 69 of 1,612,194 alleles (0.0043%); highest among the groups gnomAD compares: African/African-American, 0.0053%; no homozygotes.

Submissions (5):

Variantyx, Inc.
Classification: Pathogenic for Autosomal recessive WDR35-related disorders. Last evaluated: 2025-08-28. Review status: criteria provided, single submitter. Criteria: Variantyx Assertion Criteria 2022. Collection method: clinical testing. Allele origin: germline. Inheritance: Autosomal recessive inheritance.
Comment: This is a nonsense variant in the WDR35 gene (OMIM: 613602). Pathogenic variants in this gene have been associated with autosomal recessive WDR35-related disorders. This variant introduces a premature termination codon in exon 9 out of 28 and is expected to result in loss of function, which is a known disease mechanism for WDR35 in this disorder (PMID: 22486404, 29068549) (PVS1).It has been identified in the homozygous or compound heterozygous state in at least one individual reported in the published literature (PMID: 33606107)(PM3) and has a 0.0053% maximum allele frequency in non-founder control populations (PM2). Based on the current evidence, this variant is classified as pathogenic for autosomal recessive WDR35-related disorders.

Fulgent Genetics
Classification: Pathogenic for Cranioectodermal dysplasia 2; Short-rib thoracic dysplasia 7 with or without polydactyly. Last evaluated: 2024-03-26. Review status: criteria provided, single submitter. Criteria: ACMG Guidelines, 2015. Collection method: clinical testing. Allele origin: germline.

Labcorp Genetics (formerly Invitae), Labcorp
Classification: Pathogenic for Cranioectodermal dysplasia 2; Short-rib thoracic dysplasia 7 with or without polydactyly. Last evaluated: 2023-01-23. Review status: criteria provided, single submitter. Criteria: Invitae Variant Classification Sherloc (09022015). Collection method: clinical testing. Allele origin: germline.
Comment: For these reasons, this variant has been classified as Pathogenic. ClinVar contains an entry for this variant (Variation ID: 579675). This variant has not been reported in the literature in individuals affected with WDR35-related conditions. This variant is present in population databases (rs199840434, gnomAD 0.004%). This sequence change creates a premature translational stop signal (p.Arg332*) in the WDR35 gene. It is expected to result in an absent or disrupted protein product. Loss-of-function variants in WDR35 are known to be pathogenic (PMID: 22486404, 29068549).

Juno Genomics, Hangzhou Juno Genomics, Inc
Classification: Pathogenic for Short-rib thoracic dysplasia 7 with or without polydactyly; Cranioectodermal dysplasia 2. Review status: criteria provided, single submitter. Criteria: ACMG Guidelines, 2015. Collection method: clinical testing. Allele origin: germline.
Comment: Absent from controls (or at extremely low frequency if recessive) in Genome Aggregation Database.;Null variant in a gene where loss of function (LOF) is a known mechanism of disease.;For recessive disorders, detected in trans with a pathogenic variant.

PreventionGenetics, part of Exact Sciences
Classification: Pathogenic for WDR35-related condition. Last evaluated: 2024-05-22. Review status: no assertion criteria provided. Collection method: clinical testing. Allele origin: germline. Not counted in ClinVar's aggregate classification.
Comment: The WDR35 c.994C>T variant is predicted to result in premature protein termination (p.Arg332*). This variant has been reported in the compound heterozygous state along with a second WDR35 variant in an individual with Sensenbrenner syndrome (Quinaux et al. 2021. PubMed ID: 33606107). This variant was also found in the heterozygous state in an individual with kidney disfunction; however, a second WDR35 was not identified (Sakakibara et al. 2022. PubMed ID: 35140360). This variant is reported in 0.0040% of alleles in individuals of African descent in gnomAD. Nonsense variants in WDR35 are expected to be pathogenic. This variant is interpreted as pathogenic.

Literature cited by the submitters: PubMed 22486404 (cited by Variantyx, Inc. and Labcorp Genetics (formerly Invitae), Labcorp); PubMed 29068549 (cited by Variantyx, Inc. and Labcorp Genetics (formerly Invitae), Labcorp); PubMed 33606107 (cited by Variantyx, Inc.).